The following is an entry in ClinVar:

NM_001854.4(COL11A1):c.1229A>C (p.Asp410Ala)

Gene: COL11A1 (collagen type XI alpha 1 chain; minus strand). Cytogenetic location: 1p21.1.
Variant type: single nucleotide variant.
Coding change: c.1229A>C on transcript NM_001854.4 (MANE Select); coding-DNA position 1229, A replaced by C.
Protein change: p.Asp410Ala; replaces aspartic acid 410 with alanine.
Molecular consequence: missense variant. On other transcripts: non-coding transcript variant (1), intron variant (1).
Genome position (GRCh38, 1-based): chr1:103,022,758, T>G on the plus strand (A>C on the coding strand, the complement: COL11A1 is on the minus strand). VCF-style: chr1-103022758-T-G. GRCh37 (hg19) VCF-style: chr1-103488314-T-G.
Other names: c.1112A>C, p.Asp371Ala (NM_001190709.2); c.1265A>C, p.Asp422Ala (NM_080629.3); c.898-989A>C (NM_080630.4); short protein forms D371A, D410A, D422A.
Identifiers: ClinVar variation 3773916 (VCV003773916.1).

ClinVar aggregate classification (germline): Uncertain significance (1 of 4 stars; one submission).

Submission:

GeneDx
Classification: Uncertain significance. Last evaluated: 2024-09-24. Review status: criteria provided, single submitter. Criteria: GeneDx Variant Classification Process June 2021. Collection method: clinical testing. Allele origin: germline. Affected: yes.
Comment: Not observed at significant frequency in large population cohorts (gnomAD); In silico analysis supports that this missense variant has a deleterious effect on protein structure/function; Has not been previously published as pathogenic or benign to our knowledge; Not located in the triple helical region, where the majority of pathogenic missense variants occur (HGMD; PMID: 25240749); This variant is associated with the following publications: (PMID: 25240749)